The following is an entry in ClinVar:

ClinVar aggregate classification (germline): Pathogenic/Likely pathogenic. Review status: criteria provided, multiple submitters, no conflicts (2 of 4 stars). 3 submissions from 3 submitters: Pathogenic (2); Likely pathogenic (1). Last evaluated 2025-07-18.

Conditions:
Permanent neonatal diabetes mellitus (PNDM). Identifiers: Orphanet 99885, MedGen C1833104, MONDO:0100164, MONDO:0011643. Disease mechanism: gain of function.

Submissions (3):

Women's Health and Genetics/Laboratory Corporation of America, LabCorp
Classification: Pathogenic for Permanent neonatal diabetes mellitus. Last evaluated: 2025-07-18. Review status: criteria provided, single submitter. Criteria: LabCorp Variant Classification Summary - May 2015. Collection method: clinical testing. Allele origin: germline.
Comment: Variant summary: KCNJ11 c.556C>G (p.His186Asp) results in a non-conservative amino acid change in the encoded protein sequence. Algorithms developed to predict the effect of missense changes on protein structure and function all suggest that this variant is likely to be disruptive. The variant was absent in 247860 control chromosomes. c.556C>G has been observed in individual(s) affected with Neonatal Diabetes Mellitus (Ahn_2015, Beltrand_2015, Busiah_2013, Garcin_2020, internal_testing), and also observed de novo. These data indicate that the variant is likely to be associated with disease. To our knowledge, no experimental evidence demonstrating an impact on protein function has been reported. The following publications have been ascertained in the context of this evaluation (PMID: 26388896, 26438614, 24622368, 32418263).ClinVar contains an entry for this variant (Variation ID: 1338466). Based on the evidence outlined above, the variant was classified as pathogenic.

Labcorp Genetics (formerly Invitae), Labcorp
Classification: Pathogenic. Last evaluated: 2023-11-03. Review status: criteria provided, single submitter. Criteria: Invitae Variant Classification Sherloc (09022015). Collection method: clinical testing. Allele origin: germline.
Comment: This sequence change replaces histidine, which is basic and polar, with aspartic acid, which is acidic and polar, at codon 186 of the KCNJ11 protein (p.His186Asp). This variant is not present in population databases (gnomAD no frequency). This missense change has been observed in individual(s) with clinical features of autosomal dominant neonatal diabetes mellitus (PMID: 24622368, 26388896; Invitae). In at least one individual the variant was observed to be de novo. ClinVar contains an entry for this variant (Variation ID: 1338466). Advanced modeling of protein sequence and biophysical properties (such as structural, functional, and spatial information, amino acid conservation, physicochemical variation, residue mobility, and thermodynamic stability) performed at Invitae indicates that this missense variant is expected to disrupt KCNJ11 protein function with a positive predictive value of 95%. For these reasons, this variant has been classified as Pathogenic.

Genetic Services Laboratory, University of Chicago
Classification: Likely pathogenic. Last evaluated: 2020-02-03. Review status: criteria provided, single submitter. Criteria: ACMG Guidelines, 2015. Collection method: clinical testing. Allele origin: germline. Affected: yes.
Comment: DNA sequence analysis of the KCNJ11 gene demonstrated a sequence change, c.556C>G, in exon 1 that results in an amino acid change, p.His186Asp. This sequence change has not been observed in large population databases (ExAC, gnomAD). The p.His186Asp change affects a highly conserved amino acid residue located in a domain of the KCNJ11 protein that is known to be functional. In-silico pathogenicity prediction tools (SIFT, PolyPhen2, Align GVGD, REVEL) provide contradictory results for the p.His186Asp substitution. This particular amino acid change has been described in the literature in other patients with permanent neonatal diabetes who were successfully treated with oral sulfonylureas (PMIDs: 26388896, 29205704).

Literature cited by the submitters: PubMed 32418263 (cited by Women's Health and Genetics/Laboratory Corporation of America, LabCorp); PubMed 26388896 (cited by Women's Health and Genetics/Laboratory Corporation of America, LabCorp and Labcorp Genetics (formerly Invitae), Labcorp); PubMed 26438614 (cited by Women's Health and Genetics/Laboratory Corporation of America, LabCorp); PubMed 24622368 (cited by Women's Health and Genetics/Laboratory Corporation of America, LabCorp and Labcorp Genetics (formerly Invitae), Labcorp).

NM_000525.4(KCNJ11):c.556C>G (p.His186Asp)

Gene: KCNJ11 (potassium inwardly rectifying channel subfamily J member 11; minus strand). Cytogenetic location: 11p15.1.
Variant type: single nucleotide variant.
Coding change: c.556C>G on transcript NM_000525.4 (MANE Select); coding-DNA position 556, C replaced by G.
Protein change: p.His186Asp; replaces histidine 186 with aspartic acid.
Molecular consequence: missense variant.
Genome position (GRCh38, 1-based): chr11:17,387,536, G>C on the plus strand (C>G on the coding strand, the complement: KCNJ11 is on the minus strand). VCF-style: chr11-17387536-G-C. GRCh37 (hg19) VCF-style: chr11-17409083-G-C.
Other names: c.295C>G, p.His99Asp (NM_001166290.2, NM_001377296.1, NM_001377297.1); short protein forms H186D, H99D.
Identifiers: ClinVar variation 1338466 (VCV001338466.10), dbSNP rs2133380076, ClinGen allele CA379772714.
Genomic context (GRCh38, chr11:17,387,536, plus strand): 5'-GGAGGTCACCCACACGTAGCATGAAGCAGAGGCGGCCGTGGCGCAGGGCGATCACCGCAT[G>C]CTTGCTGAAGATGAGGGTCTCAGCCCTGCGGTGGGCTTGGGCAGTCTTCATGAAGATGCA-3'
Protein context (NP_000516.3, residues 176-196): RRAETLIFSK[His186Asp]AVIALRHGRL